The following is an entry in ClinVar:

ClinVar aggregate classification (germline): Conflicting classifications of pathogenicity. Review status: criteria provided, conflicting classifications (1 of 4 stars). 2 submissions from 2 submitters: Uncertain significance (1); Likely benign (1). Last evaluated 2024-09-06.

Allele frequency attached by ClinVar (database versions not stated): ExAC 0.00002.

Submissions (2):

Labcorp Genetics (formerly Invitae), Labcorp
Classification: Uncertain significance. Last evaluated: 2024-09-06. Review status: criteria provided, single submitter. Criteria: Invitae Variant Classification Sherloc (09022015). Collection method: clinical testing. Allele origin: germline.
Comment: This sequence change falls in intron 12 of the ALPK3 gene. It does not directly change the encoded amino acid sequence of the ALPK3 protein. It affects a nucleotide within the consensus splice site. This variant is present in population databases (rs560395563, gnomAD 0.006%). This variant has not been reported in the literature in individuals affected with ALPK3-related conditions. ClinVar contains an entry for this variant (Variation ID: 680968). Variants that disrupt the consensus splice site are a relatively common cause of aberrant splicing (PMID: 17576681, 9536098). Algorithms developed to predict the effect of sequence changes on RNA splicing suggest that this variant is not likely to affect RNA splicing. In summary, the available evidence is currently insufficient to determine the role of this variant in disease. Therefore, it has been classified as a Variant of Uncertain Significance.

GeneDx
Classification: Likely benign. Last evaluated: 2018-03-26. Review status: criteria provided, single submitter. Criteria: GeneDx Variant Classification (06012015). Collection method: clinical testing. Allele origin: germline. Affected: yes.
Comment: This variant is considered likely benign or benign based on one or more of the following criteria: it is a conservative change, it occurs at a poorly conserved position in the protein, it is predicted to be benign by multiple in silico algorithms, and/or has population frequency not consistent with disease.

Literature cited by the submitters: PubMed 17576681 (cited by Labcorp Genetics (formerly Invitae), Labcorp); PubMed 9536098 (cited by Labcorp Genetics (formerly Invitae), Labcorp).

NM_020778.5(ALPK3):c.4723+4C>T

Gene: ALPK3 (alpha kinase 3; plus strand). Cytogenetic location: 15q25.3.
Variant type: single nucleotide variant.
Coding change: c.4723+4C>T on transcript NM_020778.5 (MANE Select); 4 bases into the intron after coding-DNA position 4723, C replaced by T.
Molecular consequence: intron variant.
Genome position (GRCh38, 1-based): chr15:84,864,669, C>T. VCF-style: chr15-84864669-C-T. GRCh37 (hg19) VCF-style: chr15-85407900-C-T.
Identifiers: ClinVar variation 680968 (VCV000680968.6), dbSNP rs560395563, ClinGen allele CA7710049.